The following is an entry in ClinVar:

NM_001379451.1(BCORL1):c.3365G>A (p.Gly1122Asp)

Gene: BCORL1 (BCL6 corepressor like 1; plus strand). Cytogenetic location: Xq26.1.
Variant type: single nucleotide variant.
Coding change: c.3365G>A on transcript NM_001379451.1 (MANE Select); coding-DNA position 3365, G replaced by A.
Protein change: p.Gly1122Asp; replaces glycine 1122 with aspartic acid.
Molecular consequence: missense variant.
Genome position (GRCh38, 1-based): chrX:130,016,137, G>A. VCF-style: chrX-130016137-G-A. GRCh37 (hg19) VCF-style: chrX-129150113-G-A.
Other names: c.3365G>A, p.Gly1122Asp (NM_001184772.3, NM_001379450.1, NM_001441326.1 and 7 more transcripts); short protein forms G1122D.
Identifiers: ClinVar variation 4867435 (VCV004867435.1).

ClinVar aggregate classification (germline): Uncertain significance (1 of 4 stars; one submission).

gnomAD v4.1: 6 of 1,209,276 alleles (0.0005%); highest among the groups gnomAD compares: Admixed American, 0.011%; no homozygotes.

Submission:

Ambry Genetics
Classification: Uncertain significance. Last evaluated: 2026-03-31. Review status: criteria provided, single submitter. Criteria: Ambry Variant Classification Scheme 2023. Collection method: clinical testing. Allele origin: germline.
Comment: The c.3365G>A (p.G1122D) alteration is located in exon 3 (coding exon 3) of the BCORL1 gene. This alteration results from a G to A substitution at nucleotide position 3365, causing the glycine (G) at amino acid position 1122 to be replaced by an aspartic acid (D). Based on data from gnomAD, the A allele has an overall frequency of 0.002% (3/203800) total alleles studied. The highest observed frequency was 0.007% (2/27960) of Latino alleles. Based on insufficient or conflicting evidence, the clinical significance of this alteration remains unclear.